The following is an entry in ClinVar:

ClinVar aggregate classification (germline): Uncertain significance (1 of 4 stars; one submission).

Conditions:
Myofibrillar myopathy 3 (MFM3). Also called: Muscular dystrophy, proximal, type 1A; Autosomal dominant spheroid body myopathy. Identifiers: Orphanet 266, Orphanet 268129, MedGen C3714934, MONDO:0012215, OMIM 609200.

Submission:

Labcorp Genetics (formerly Invitae), Labcorp
Classification: Uncertain significance for Myofibrillar myopathy 3. Last evaluated: 2024-09-22. Review status: criteria provided, single submitter. Criteria: Invitae Variant Classification Sherloc (09022015). Collection method: clinical testing. Allele origin: germline.
Comment: This sequence change replaces glutamic acid, which is acidic and polar, with aspartic acid, which is acidic and polar, at codon 49 of the MYOT protein (p.Glu49Asp). This variant is not present in population databases (gnomAD no frequency). This variant has not been reported in the literature in individuals affected with MYOT-related conditions. ClinVar contains an entry for this variant (Variation ID: 852985). An algorithm developed to predict the effect of missense changes on protein structure and function (PolyPhen-2) suggests that this variant is likely to be disruptive. In summary, the available evidence is currently insufficient to determine the role of this variant in disease. Therefore, it has been classified as a Variant of Uncertain Significance.

NM_006790.3(MYOT):c.147G>C (p.Glu49Asp)

Genes: PKD2L2-DT (PKD2L2 divergent transcript; minus strand), MYOT (myotilin; plus strand). Cytogenetic location: 5q31.2.
Variant type: single nucleotide variant.
Coding change: c.147G>C on transcript NM_006790.3 (MANE Select); coding-DNA position 147, G replaced by C.
Protein change: p.Glu49Asp; replaces glutamic acid 49 with aspartic acid.
Molecular consequence: missense variant. On other transcripts: intron variant (2).
Genome position (GRCh38, 1-based): chr5:137,870,798, G>C. VCF-style: chr5-137870798-G-C. GRCh37 (hg19) VCF-style: chr5-137206487-G-C.
Other names: c.-120-79G>C (NM_001300911.2); c.-197+273G>C (NM_001135940.2); short protein forms E49D.
Identifiers: ClinVar variation 852985 (VCV000852985.10), dbSNP rs1309789504, ClinGen allele CA361052688.